The following is an entry in ClinVar:

NM_000264.5(PTCH1):c.184C>G (p.Leu62Val)

Gene: PTCH1 (patched 1; minus strand). Cytogenetic location: 9q22.32.
Variant type: single nucleotide variant.
Coding change: c.184C>G on transcript NM_000264.5 (MANE Select); coding-DNA position 184, C replaced by G.
Protein change: p.Leu62Val; replaces leucine 62 with valine.
Molecular consequence: missense variant. On other transcripts: non-coding transcript variant (1), intron variant (3).
Genome position (GRCh38, 1-based): chr9:95,508,178, G>C on the plus strand (C>G on the coding strand, the complement: PTCH1 is on the minus strand). VCF-style: chr9-95508178-G-C. GRCh37 (hg19) VCF-style: chr9-98270460-G-C.
Other names: c.184C>G, p.Leu62Val (NM_001354918.2); c.199-1579C>G (NM_001083603.3); c.4-1579C>G (NM_001083602.3, NM_001354919.2); c.184C>G (NM_000264.3); short protein forms L62V.
Identifiers: ClinVar variation 1369389 (VCV001369389.9), dbSNP rs1843886204, ClinGen allele CA374121274.
Genomic context (GRCh38, chr9:95,508,178, plus strand): 5'-AGAGGAGGGAAGAGAAAGTGGGAGGAGAGAGTCTGAAATGCACCTTGGAAATCTGCTCCA[G>C]AGCGAAGGCGGCGTCGCAGTAGCTGGGCCGGTGCAGATAGTCCCGGTCCGGCGCGGCAGC-3'
Protein context (NP_000255.2, residues 52-72): RPSYCDAAFA[Leu62Val]EQISKGKATG

ClinVar aggregate classification (germline): Uncertain significance. Review status: criteria provided, multiple submitters, no conflicts (2 of 4 stars). 2 submissions from 2 submitters: Uncertain significance (2). Last evaluated 2025-09-26.

Conditions:
Hereditary cancer-predisposing syndrome. Also called: Hereditary neoplastic syndrome; Hereditary Cancer Syndrome; Neoplastic Syndromes, Hereditary; Tumor predisposition. Identifiers: Orphanet 140162, MedGen C0027672, MeSH D009386, MONDO:0015356.
Gorlin syndrome. Also called: Basal cell nevus syndrome; Nevoid Basal Cell Carcinoma Syndrome. Identifiers: Orphanet 377, MedGen C0004779, MONDO:0007187.

Allele frequency attached by ClinVar (database versions not stated): gnomAD exomes below 0.00001.
gnomAD v4.1: 1 of 1,612,760 alleles (0.000062%); highest among the groups gnomAD compares: South Asian, 0.0011%; no homozygotes.

Submissions (2):

Ambry Genetics
Classification: Uncertain significance for Hereditary cancer-predisposing syndrome. Last evaluated: 2025-09-26. Review status: criteria provided, single submitter. Criteria: Ambry Variant Classification Scheme 2023. Collection method: clinical testing. Allele origin: germline.
Comment: The p.L62V variant (also known as c.184C>G), located in coding exon 1 of the PTCH1 gene, results from a C to G substitution at nucleotide position 184. The leucine at codon 62 is replaced by valine, an amino acid with highly similar properties. This amino acid position is conserved. In addition, the in silico prediction for this alteration is inconclusive. Based on the available evidence, the clinical significance of this variant remains unclear.

Labcorp Genetics (formerly Invitae), Labcorp
Classification: Uncertain significance for Gorlin syndrome. Last evaluated: 2024-11-22. Review status: criteria provided, single submitter. Criteria: Invitae Variant Classification Sherloc (09022015). Collection method: clinical testing. Allele origin: germline.
Comment: This sequence change replaces leucine, which is neutral and non-polar, with valine, which is neutral and non-polar, at codon 62 of the PTCH1 protein (p.Leu62Val). This variant is not present in population databases (gnomAD no frequency). This variant has not been reported in the literature in individuals affected with PTCH1-related conditions. ClinVar contains an entry for this variant (Variation ID: 1369389). Invitae Evidence Modeling of protein sequence and biophysical properties (such as structural, functional, and spatial information, amino acid conservation, physicochemical variation, residue mobility, and thermodynamic stability) has been performed for this missense variant. However, the output from this modeling did not meet the statistical confidence thresholds required to predict the impact of this variant on PTCH1 protein function. In summary, the available evidence is currently insufficient to determine the role of this variant in disease. Therefore, it has been classified as a Variant of Uncertain Significance.